The following is an entry in ClinVar:

NM_001256864.2(DNAJC6):c.926G>A (p.Arg309His)

Gene: DNAJC6 (DnaJ heat shock protein family (Hsp40) member C6; plus strand). Cytogenetic location: 1p31.3.
Variant type: single nucleotide variant.
Coding change: c.926G>A on transcript NM_001256864.2 (MANE Select); coding-DNA position 926, G replaced by A.
Protein change: p.Arg309His; replaces arginine 309 with histidine.
Molecular consequence: missense variant.
Genome position (GRCh38, 1-based): chr1:65,385,837, G>A. VCF-style: chr1-65385837-G-A. GRCh37 (hg19) VCF-style: chr1-65851520-G-A.
Other names: c.716G>A, p.Arg239His (NM_001256865.2); c.755G>A, p.Arg252His (NM_014787.4); short protein forms R239H, R252H, R309H.
Identifiers: ClinVar variation 844109 (VCV000844109.7), dbSNP rs757458350, ClinGen allele CA893787.

ClinVar aggregate classification (germline): Uncertain significance (1 of 4 stars; one submission).

Conditions:
Juvenile onset Parkinson disease 19A. Also called: DNAJC6 Parkinson Disease; PARK19. Identifiers: Orphanet 391411, MedGen C3809811, MONDO:0014231, OMIM 615528.

Allele frequency attached by ClinVar (database versions not stated): ExAC 0.00001; gnomAD exomes 0.00001; gnomAD 0.00002 and 0.00003; TOPMed 0.00002.
gnomAD v4.1: 13 of 1,613,878 alleles (0.00081%); highest among the groups gnomAD compares: African/African-American, 0.008%; no homozygotes.

Submission:

Labcorp Genetics (formerly Invitae), Labcorp
Classification: Uncertain significance for Juvenile onset Parkinson disease 19A. Last evaluated: 2021-10-23. Review status: criteria provided, single submitter. Criteria: Invitae Variant Classification Sherloc (09022015). Collection method: clinical testing. Allele origin: germline.
Comment: This sequence change replaces arginine, which is basic and polar, with histidine, which is basic and polar, at codon 309 of the DNAJC6 protein (p.Arg309His). This variant is present in population databases (rs757458350, gnomAD 0.008%). This variant has not been reported in the literature in individuals affected with DNAJC6-related conditions. ClinVar contains an entry for this variant (Variation ID: 844109). Algorithms developed to predict the effect of missense changes on protein structure and function are either unavailable or do not agree on the potential impact of this missense change (SIFT: "Deleterious"; PolyPhen-2: "Probably Damaging"; Align-GVGD: "Class C0"). In summary, the available evidence is currently insufficient to determine the role of this variant in disease. Therefore, it has been classified as a Variant of Uncertain Significance.